The following is an entry in ClinVar:

ClinVar aggregate classification (germline): Uncertain significance. Review status: criteria provided, multiple submitters, no conflicts (2 of 4 stars). 6 submissions from 6 submitters: Uncertain significance (6). Last evaluated 2025-08-28.

Conditions:
Hearing loss, autosomal recessive 57. Also called: DEAFNESS, AUTOSOMAL RECESSIVE 57. Identifiers: MedGen C4693893, MONDO:0033201, OMIM 618003.
Usher syndrome type 2A. Also called: RETINAL DISEASE IN USHER SYNDROME TYPE IIA, MODIFIER OF; USHER SYNDROME, TYPE IIA. Identifiers: Orphanet 231178, Orphanet 886, MedGen C1848634, MONDO:0010169, OMIM 276901.
Usher syndrome type 2C. Also called: Usher syndrome, type 2B; USHER SYNDROME, TYPE IIC. Identifiers: Orphanet 231178, Orphanet 886, MedGen C2931213, MONDO:0011558, OMIM 605472.

Allele frequency attached by ClinVar (database versions not stated): TOPMed 0.00004; gnomAD 0.00005; ESP Exome Variant Server 0.00008.
gnomAD v4.1: 64 of 1,613,698 alleles (0.004%); highest among the groups gnomAD compares: Middle Eastern, 0.016%; no homozygotes.

Submissions (6):

GeneDx
Classification: Uncertain significance. Last evaluated: 2025-08-28. Review status: criteria provided, single submitter. Criteria: GeneDx Variant Classification Process June 2021. Collection method: clinical testing. Allele origin: germline. Affected: yes.
Comment: Reported in a cohort of patients with sensorineural hearing loss in published literature (PMID: 40069133); In silico analysis supports that this missense variant has a deleterious effect on protein structure/function; This variant is associated with the following publications: (PMID: 40069133)

Blueprint Genetics
Classification: Uncertain significance. Last evaluated: 2023-05-03. Review status: criteria provided, single submitter. Criteria: ACMG Guidelines, 2015. Collection method: clinical testing. Allele origin: germline.

Labcorp Genetics (formerly Invitae), Labcorp
Classification: Uncertain significance. Last evaluated: 2022-08-09. Review status: criteria provided, single submitter. Criteria: Invitae Variant Classification Sherloc (09022015). Collection method: clinical testing. Allele origin: germline.
Comment: This sequence change replaces arginine, which is basic and polar, with glutamine, which is neutral and polar, at codon 293 of the PDZD7 protein (p.Arg293Gln). This variant is present in population databases (rs368026275, gnomAD 0.01%). This variant has not been reported in the literature in individuals affected with PDZD7-related conditions. ClinVar contains an entry for this variant (Variation ID: 198461). Algorithms developed to predict the effect of missense changes on protein structure and function are either unavailable or do not agree on the potential impact of this missense change (SIFT: "Deleterious"; PolyPhen-2: "Not Available"; Align-GVGD: "Class C0"). In summary, the available evidence is currently insufficient to determine the role of this variant in disease. Therefore, it has been classified as a Variant of Uncertain Significance.

Fulgent Genetics
Classification: Uncertain significance for Usher syndrome type 2A; Usher syndrome type 2C; Hearing loss, autosomal recessive 57. Last evaluated: 2018-10-31. Review status: criteria provided, single submitter. Criteria: ACMG Guidelines, 2015. Collection method: clinical testing. Allele origin: unknown.

Eurofins Ntd Llc (ga)
Classification: Uncertain significance. Last evaluated: 2015-03-16. Review status: criteria provided, single submitter. Criteria: EGL Classification Definitions 2015. Collection method: clinical testing. Allele origin: germline. Observed: 1 variant allele, 1 heterozygote.

Breakthrough Genomics
Classification: Uncertain significance. Review status: criteria provided, single submitter. Criteria: ACMG Guidelines, 2015. Collection method: not provided. Allele origin: germline. Inheritance: Autosomal recessive inheritance. Affected: yes.

NM_001195263.2(PDZD7):c.878G>A (p.Arg293Gln)

Gene: PDZD7 (PDZ domain containing 7; minus strand). Cytogenetic location: 10q24.31.
Variant type: single nucleotide variant.
Coding change: c.878G>A on transcript NM_001195263.2 (MANE Select); coding-DNA position 878, G replaced by A.
Protein change: p.Arg293Gln; replaces arginine 293 with glutamine.
Molecular consequence: missense variant.
Genome position (GRCh38, 1-based): chr10:101,020,668, C>T on the plus strand (G>A on the coding strand, the complement: PDZD7 is on the minus strand). VCF-style: chr10-101020668-C-T. GRCh37 (hg19) VCF-style: chr10-102780425-C-T.
Other names: c.878G>A, p.Arg293Gln (NM_001351044.2, NM_024895.5); short protein forms R293Q.
Identifiers: ClinVar variation 198461 (VCV000198461.14), dbSNP rs368026275, ClinGen allele CA247127.